The following is an entry in ClinVar:

ClinVar aggregate classification (germline): Uncertain significance (1 of 4 stars; one submission).

Conditions:
Autosomal recessive severe congenital neutropenia due to CSF3R deficiency. Also called: Neutropenia, severe congenital, 7, autosomal recessive. Identifiers: Orphanet 420702, MedGen C4310764, MONDO:0014865, OMIM 617014.

Allele frequency attached by ClinVar (database versions not stated): gnomAD 0.00001; TOPMed 0.00001; gnomAD exomes 0.00002 and 0.00003; ExAC 0.00005.

Submission:

Labcorp Genetics (formerly Invitae), Labcorp
Classification: Uncertain significance for Autosomal recessive severe congenital neutropenia due to CSF3R deficiency. Last evaluated: 2023-04-15. Review status: criteria provided, single submitter. Criteria: Invitae Variant Classification Sherloc (09022015). Collection method: clinical testing. Allele origin: germline.
Comment: In summary, the available evidence is currently insufficient to determine the role of this variant in disease. Therefore, it has been classified as a Variant of Uncertain Significance. Advanced modeling of protein sequence and biophysical properties (such as structural, functional, and spatial information, amino acid conservation, physicochemical variation, residue mobility, and thermodynamic stability) performed at Invitae indicates that this missense variant is expected to disrupt CSF3R protein function. ClinVar contains an entry for this variant (Variation ID: 1038646). This variant has not been reported in the literature in individuals affected with CSF3R-related conditions. This variant is present in population databases (rs779227407, gnomAD 0.005%). This sequence change replaces glycine, which is neutral and non-polar, with arginine, which is basic and polar, at codon 415 of the CSF3R protein (p.Gly415Arg).

NM_000760.4(CSF3R):c.1243G>A (p.Gly415Arg)

Gene: CSF3R (colony stimulating factor 3 receptor; minus strand). Cytogenetic location: 1p34.3.
Variant type: single nucleotide variant.
Coding change: c.1243G>A on transcript NM_000760.4 (MANE Select); coding-DNA position 1243, G replaced by A.
Protein change: p.Gly415Arg; replaces glycine 415 with arginine.
Molecular consequence: missense variant.
Genome position (GRCh38, 1-based): chr1:36,471,475, C>T on the plus strand (G>A on the coding strand, the complement: CSF3R is on the minus strand). VCF-style: chr1-36471475-C-T. GRCh37 (hg19) VCF-style: chr1-36937076-C-T.
Other names: c.1243G>A, p.Gly415Arg (NM_156039.3, NM_172313.3); short protein forms G415R.
Identifiers: ClinVar variation 1038646 (VCV001038646.8), dbSNP rs779227407, ClinGen allele CA769254.